The following is an entry in ClinVar:

ClinVar aggregate classification (germline): Uncertain significance. Review status: criteria provided, multiple submitters, no conflicts (2 of 4 stars). 3 submissions from 3 submitters: Uncertain significance (3). Last evaluated 2025-08-08.

Conditions:
Inborn genetic diseases. Identifiers: MedGen C0950123, MeSH D030342.

Allele frequency attached by ClinVar (database versions not stated): gnomAD exomes 0.00001; TOPMed 0.00001.
gnomAD v4.1: 8 of 1,613,926 alleles (0.0005%); highest among the groups gnomAD compares: Non-Finnish European, 0.00068%; no homozygotes.

Submissions (3):

Ambry Genetics
Classification: Uncertain significance for Inborn genetic diseases. Last evaluated: 2025-08-08. Review status: criteria provided, single submitter. Criteria: Ambry Variant Classification Scheme 2023. Collection method: clinical testing. Allele origin: germline.

Blueprint Genetics
Classification: Uncertain significance. Last evaluated: 2022-09-08. Review status: criteria provided, single submitter. Criteria: ACMG Guidelines, 2015. Collection method: clinical testing. Allele origin: germline.

Labcorp Genetics (formerly Invitae), Labcorp
Classification: Uncertain significance. Last evaluated: 2021-08-28. Review status: criteria provided, single submitter. Criteria: Invitae Variant Classification Sherloc (09022015). Collection method: clinical testing. Allele origin: germline.
Comment: This sequence change replaces threonine with serine at codon 390 of the KIAA1549 protein (p.Thr390Ser). The threonine residue is weakly conserved and there is a small physicochemical difference between threonine and serine. This variant is not present in population databases (ExAC no frequency). This variant has not been reported in the literature in individuals affected with KIAA1549-related conditions. Algorithms developed to predict the effect of missense changes on protein structure and function (SIFT, PolyPhen-2, Align-GVGD) all suggest that this variant is likely to be tolerated. In summary, the available evidence is currently insufficient to determine the role of this variant in disease. Therefore, it has been classified as a Variant of Uncertain Significance.

NM_001164665.2(KIAA1549):c.1168A>T (p.Thr390Ser)

Gene: KIAA1549 (KIAA1549; minus strand). Cytogenetic location: 7q34.
Variant type: single nucleotide variant.
Coding change: c.1168A>T on transcript NM_001164665.2 (MANE Select); coding-DNA position 1168, A replaced by T.
Protein change: p.Thr390Ser; replaces threonine 390 with serine.
Molecular consequence: missense variant.
Genome position (GRCh38, 1-based): chr7:138,918,458, T>A on the plus strand (A>T on the coding strand, the complement: KIAA1549 is on the minus strand). VCF-style: chr7-138918458-T-A. GRCh37 (hg19) VCF-style: chr7-138603204-T-A.
Other names: c.1168A>T, p.Thr390Ser (NM_020910.3); c.1168A>T (NM_001164665.1); short protein forms T390S.
Identifiers: ClinVar variation 1059856 (VCV001059856.9), dbSNP rs949757161, ClinGen allele CA167164217.